The following is an entry in ClinVar:

ClinVar aggregate classification (germline): Likely benign (0 of 4 stars; one submission).

Conditions:
ARSF-related disorder. Also called: ARSF-related condition.

Allele frequency attached by ClinVar (database versions not stated): gnomAD exomes 0.00001; ExAC 0.00003; ESP Exome Variant Server 0.00009.
gnomAD v4.1: 13 of 1,199,483 alleles (0.0011%); highest among the groups gnomAD compares: Admixed American, 0.011%; no homozygotes.

Submission:

PreventionGenetics, part of Exact Sciences
Classification: Likely benign for ARSF-related condition. Last evaluated: 2019-06-27. Review status: no assertion criteria provided. Collection method: clinical testing. Allele origin: germline.
Comment: This variant is classified as likely benign based on ACMG/AMP sequence variant interpretation guidelines (Richards et al. 2015 PMID: 25741868, with internal and published modifications).

NM_001201539.2(ARSF):c.165G>A (p.Thr55=)

Gene: ARSF (arylsulfatase F; plus strand). Cytogenetic location: Xp22.33.
Variant type: single nucleotide variant.
Coding change: c.165G>A on transcript NM_001201539.2 (MANE Select); coding-DNA position 165, G replaced by A.
Protein change: p.Thr55=; no amino-acid change (threonine 55 retained).
Molecular consequence: synonymous variant.
Genome position (GRCh38, 1-based): chrX:3,076,551, G>A. VCF-style: chrX-3076551-G-A. GRCh37 (hg19) VCF-style: chrX-2994592-G-A.
Other names: c.165G>A, p.Thr55= (NM_001201538.2, NM_004042.5).
Identifiers: ClinVar variation 3042994 (VCV003042994.2), dbSNP rs369770883, ClinGen allele CA10338786.